The following is an entry in ClinVar:

ClinVar aggregate classification (germline): Uncertain significance (1 of 4 stars; one submission).

Submission:

Labcorp Genetics (formerly Invitae), Labcorp
Classification: Uncertain significance. Last evaluated: 2024-02-26. Review status: criteria provided, single submitter. Criteria: Invitae Variant Classification Sherloc (09022015). Collection method: clinical testing. Allele origin: germline.
Comment: This sequence change replaces valine, which is neutral and non-polar, with methionine, which is neutral and non-polar, at codon 31 of the LEMD3 protein (p.Val31Met). This variant is not present in population databases (gnomAD no frequency). This variant has not been reported in the literature in individuals affected with LEMD3-related conditions. Advanced modeling of protein sequence and biophysical properties (such as structural, functional, and spatial information, amino acid conservation, physicochemical variation, residue mobility, and thermodynamic stability) performed at Invitae indicates that this missense variant is expected to disrupt LEMD3 protein function with a positive predictive value of 80%. In summary, the available evidence is currently insufficient to determine the role of this variant in disease. Therefore, it has been classified as a Variant of Uncertain Significance.

NM_014319.5(LEMD3):c.91G>A (p.Val31Met)

Gene: LEMD3 (LEM domain containing 3; plus strand). Cytogenetic location: 12q14.3.
Variant type: single nucleotide variant.
Coding change: c.91G>A on transcript NM_014319.5 (MANE Select); coding-DNA position 91, G replaced by A.
Protein change: p.Val31Met; replaces valine 31 with methionine.
Molecular consequence: missense variant.
Genome position (GRCh38, 1-based): chr12:65,169,687, G>A. VCF-style: chr12-65169687-G-A. GRCh37 (hg19) VCF-style: chr12-65563467-G-A.
Other names: c.91G>A, p.Val31Met (NM_001167614.2); short protein forms V31M.
Identifiers: ClinVar variation 3643453 (VCV003643453.2).
Genomic context (GRCh38, chr12:65,169,687, plus strand): 5'-CAGCTCTCGGATGAGGAGCTTTTCTCTCAGCTCCGCCGTTACGGCCTGTCTCCCGGACCA[G>A]TGACGGAGAGCACCCGCCCGGTCTACCTCAAGAAGCTGAAGAAGCTTCGAGAGGAAGAGC-3'
Protein context (NP_055134.2, residues 21-41): LRRYGLSPGP[Val31Met]TESTRPVYLK